The following is an entry in ClinVar:

NM_000170.3(GLDC):c.1852G>T (p.Gly618Ter)

Gene: GLDC (glycine decarboxylase; minus strand). Cytogenetic location: 9p24.1.
Variant type: single nucleotide variant.
Coding change: c.1852G>T on transcript NM_000170.3 (MANE Select); coding-DNA position 1852, G replaced by T.
Protein change: p.Gly618Ter; replaces glycine 618 with a stop codon.
Molecular consequence: nonsense.
Genome position (GRCh38, 1-based): chr9:6,565,428, C>A on the plus strand (G>T on the coding strand, the complement: GLDC is on the minus strand). VCF-style: chr9-6565428-C-A. GRCh37 (hg19) VCF-style: chr9-6565428-C-A.
Other names: short protein forms G618*.
Identifiers: ClinVar variation 1453941 (VCV001453941.6), dbSNP rs758575745, ClinGen allele CA372884660.

ClinVar aggregate classification (germline): Pathogenic (1 of 4 stars; one submission).

Conditions:
Glycine encephalopathy. Also called: Non-ketotic hyperglycinemia; Nonketotic hyperglycinemia. Identifiers: Orphanet 407, MedGen C0751748, MONDO:0011612, HP:0008288.

Submission:

Labcorp Genetics (formerly Invitae), Labcorp
Classification: Pathogenic for Glycine encephalopathy. Last evaluated: 2023-01-31. Review status: criteria provided, single submitter. Criteria: Invitae Variant Classification Sherloc (09022015). Collection method: clinical testing. Allele origin: germline.
Comment: This variant is not present in population databases (gnomAD no frequency). This sequence change creates a premature translational stop signal (p.Gly618*) in the GLDC gene. It is expected to result in an absent or disrupted protein product. Loss-of-function variants in GLDC are known to be pathogenic (PMID: 16601880). This variant has not been reported in the literature in individuals affected with GLDC-related conditions. For these reasons, this variant has been classified as Pathogenic. ClinVar contains an entry for this variant (Variation ID: 1453941).

Literature cited by the submitters: PubMed 16601880.